The following is an entry in ClinVar:

NM_020944.3(GBA2):c.786+9C>A

Gene: GBA2 (glucosylceramidase beta 2; minus strand). Cytogenetic location: 9p13.3.
Variant type: single nucleotide variant.
Coding change: c.786+9C>A on transcript NM_020944.3 (MANE Select); 9 bases into the intron after coding-DNA position 786, C replaced by A.
Molecular consequence: intron variant.
Genome position (GRCh38, 1-based): chr9:35,741,663, G>T on the plus strand (C>A on the coding strand, the complement: GBA2 is on the minus strand). VCF-style: chr9-35741663-G-T. GRCh37 (hg19) VCF-style: chr9-35741660-G-T.
Other names: p.?; c.786+9C>A (NM_001330660.2).
Identifiers: ClinVar variation 437458 (VCV000437458.18), dbSNP rs374309697, ClinGen allele CA5050624.
Genomic context (GRCh38, chr9:35,741,663, plus strand): 5'-TGCAGTTTCTAGCAGAGGCAGGTCCTGGGGAAGGGAGGGCAATGGAAGATACAGATGTGG[G>T]GGCCTCACCTGGTAGTCATGGGGCAAGATGGGTGTGATCTGACGGCAGGTGAGGGTGACA-3'

ClinVar aggregate classification (germline): Conflicting classifications of pathogenicity. Review status: criteria provided, conflicting classifications (1 of 4 stars). 6 submissions from 6 submitters: Uncertain significance (1); Likely benign (5). Last evaluated 2025-12-30.

Conditions:
Hereditary spastic paraplegia 5A (SPG5A). Also called: SPASTIC PARAPLEGIA 5A, AUTOSOMAL RECESSIVE. Identifiers: Orphanet 100986, MedGen C1849115, MONDO:0010047, OMIM 270800.
Spastic paraplegia. Identifiers: MedGen C0037772, HP:0001258.

Allele frequency attached by ClinVar (database versions not stated): gnomAD 0.00023 and 0.00025; TOPMed 0.00027; ESP Exome Variant Server 0.00031.
gnomAD v4.1: 456 of 1,525,452 alleles (0.03%); highest among the groups gnomAD compares: South Asian, 0.12%; 1 homozygote.

Submissions (6):

Labcorp Genetics (formerly Invitae), Labcorp
Classification: Likely benign for Spastic paraplegia. Last evaluated: 2025-12-30. Review status: criteria provided, single submitter. Criteria: Invitae Variant Classification Sherloc (09022015). Collection method: clinical testing. Allele origin: germline.

Mayo Clinic Laboratories, Mayo Clinic
Classification: Likely benign. Last evaluated: 2025-09-13. Review status: criteria provided, single submitter. Criteria: ACMG Guidelines, 2015. Collection method: clinical testing. Allele origin: germline. Observed: 2 variant alleles.
Comment: BP4, BP7

Blueprint Genetics
Classification: Likely benign. Last evaluated: 2024-11-27. Review status: criteria provided, single submitter. Criteria: ACMG Guidelines, 2015. Collection method: clinical testing. Allele origin: germline.

Women's Health and Genetics/Laboratory Corporation of America, LabCorp
Classification: Likely benign. Last evaluated: 2024-03-18. Review status: criteria provided, single submitter. Criteria: LabCorp Variant Classification Summary - May 2015. Collection method: clinical testing. Allele origin: germline.

GeneDx
Classification: Likely benign. Last evaluated: 2017-07-20. Review status: criteria provided, single submitter. Criteria: GeneDx Variant Classification (06012015). Collection method: clinical testing. Allele origin: germline. Affected: yes.
Comment: This variant is considered likely benign or benign based on one or more of the following criteria: it is a conservative change, it occurs at a poorly conserved position in the protein, it is predicted to be benign by multiple in silico algorithms, and/or has population frequency not consistent with disease.

Genomic Research Center, Shahid Beheshti University of Medical Sciences
Classification: Uncertain significance for Spastic paraplegia 5A. Last evaluated: 2017-06-18. Review status: criteria provided, single submitter. Criteria: ACMG Guidelines, 2015. Collection method: clinical testing. Allele origin: inherited. Affected: yes. Observed: 1 variant allele.